The following is an entry in ClinVar:

ClinVar aggregate classification (germline): Uncertain significance (1 of 4 stars; one submission).

Submission:

GeneDx
Classification: Uncertain significance. Last evaluated: 2024-10-16. Review status: criteria provided, single submitter. Criteria: GeneDx Variant Classification Process June 2021. Collection method: clinical testing. Allele origin: germline.
Comment: Not observed at significant frequency in large population cohorts (gnomAD); Frameshift variant predicted to result in protein truncation or nonsense mediated decay in a gene or region of a gene for which loss of function is not a well-established mechanism of disease; Has not been previously published as pathogenic or benign to our knowledge; Variants in candidate genes are classified as variants of uncertain significance in accordance with ACMG guidelines (PMID: 25741868)

NM_014921.5(ADGRL1):c.105dup (p.Arg36fs)

Gene: ADGRL1 (adhesion G protein-coupled receptor L1; minus strand). Cytogenetic location: 19p13.12.
Variant type: Duplication.
Coding change: c.105dup on transcript NM_014921.5 (MANE Select); coding-DNA position 105, one base duplicated (G; older notation c.105dupG).
Protein change: p.Arg36fs; shifts the reading frame from arginine 36.
Molecular consequence: frameshift variant.
Genome position (GRCh38, 1-based): chr19:14,177,710, C duplicated on the plus strand (G on the coding strand, the reverse complement: ADGRL1 is on the minus strand). VCF-style (leftmost placement, unchanged base first): chr19-14177709-G-GC. GRCh37 (hg19) VCF-style: chr19-14288521-G-GC.
Other names: c.105dup, p.Arg36fs (NM_001008701.3); short protein forms R36fs.
Identifiers: ClinVar variation 4975062 (VCV004975062.1).